The following is an entry in ClinVar:

ClinVar aggregate classification (germline): Likely benign (0 of 4 stars; one submission).

Conditions:
TRAPPC11-related disorder. Also called: TRAPPC11-related condition.

gnomAD v4.1: 1 of 1,611,294 alleles (0.000062%); highest among the groups gnomAD compares: African/African-American, 0.0013%; no homozygotes.

Submission:

PreventionGenetics, part of Exact Sciences
Classification: Likely benign for TRAPPC11-related condition. Last evaluated: 2019-06-07. Review status: no assertion criteria provided. Collection method: clinical testing. Allele origin: germline.
Comment: This variant is classified as likely benign based on ACMG/AMP sequence variant interpretation guidelines (Richards et al. 2015 PMID: 25741868, with internal and published modifications).

NM_021942.6(TRAPPC11):c.2851+7C>G

Gene: TRAPPC11 (trafficking protein particle complex subunit 11; plus strand). Cytogenetic location: 4q35.1.
Variant type: single nucleotide variant.
Coding change: c.2851+7C>G on transcript NM_021942.6 (MANE Select); 7 bases into the intron after coding-DNA position 2851, C replaced by G.
Molecular consequence: intron variant.
Genome position (GRCh38, 1-based): chr4:183,697,842, C>G. VCF-style: chr4-183697842-C-G. GRCh37 (hg19) VCF-style: chr4-184618995-C-G.
Other names: c.2851+7C>G (NM_199053.3).
Identifiers: ClinVar variation 3033389 (VCV003033389.2), dbSNP rs1459446571, ClinGen allele CA792085920.